The following is an entry in ClinVar:

NM_000038.6(APC):c.7009A>G (p.Ser2337Gly)

Gene: APC (APC regulator of Wnt signaling pathway; plus strand). Cytogenetic location: 5q22.2.
Variant type: single nucleotide variant.
Coding change: c.7009A>G on transcript NM_000038.6 (MANE Select); coding-DNA position 7009, A replaced by G.
Protein change: p.Ser2337Gly; replaces serine 2337 with glycine.
Molecular consequence: missense variant. On other transcripts: non-coding transcript variant (2).
Genome position (GRCh38, 1-based): chr5:112,842,603, A>G. VCF-style: chr5-112842603-A-G. GRCh37 (hg19) VCF-style: chr5-112178300-A-G.
Other names: c.7009A>G, p.Ser2337Gly (NM_001127510.3, NM_001354895.2, NM_001407450.1); c.6955A>G, p.Ser2319Gly (NM_001127511.3); c.7063A>G, p.Ser2355Gly (NM_001354896.2, NM_001407447.1, NM_001407448.1 and 1 more transcripts); c.7039A>G, p.Ser2347Gly (NM_001354897.2); c.6934A>G, p.Ser2312Gly (NM_001354898.2); c.6925A>G, p.Ser2309Gly (NM_001354899.2); c.6886A>G, p.Ser2296Gly (NM_001354900.2); c.6832A>G, p.Ser2278Gly (NM_001354901.2, NM_001407453.1); and 11 more; short protein forms S2177G, S2246G, S2296G, S2312G, S2327G, S2355G, S2236G, S2254G.
Identifiers: ClinVar variation 2693087 (VCV002693087.3), dbSNP rs1554087905, ClinGen allele CA16036610.

ClinVar aggregate classification (germline): Uncertain significance (1 of 4 stars; one submission).

Conditions:
Familial adenomatous polyposis 1 (FAP1). Also called: FAMILIAL ADENOMATOUS POLYPOSIS 1, ATTENUATED; POLYPOSIS, ADENOMATOUS INTESTINAL. Identifiers: MedGen C2713442, MONDO:0021056, OMIM 175100. Disease mechanism: loss of function.

Submission:

Labcorp Genetics (formerly Invitae), Labcorp
Classification: Uncertain significance for Familial adenomatous polyposis 1. Last evaluated: 2024-01-02. Review status: criteria provided, single submitter. Criteria: Invitae Variant Classification Sherloc (09022015). Collection method: clinical testing. Allele origin: germline.
Comment: This sequence change replaces serine, which is neutral and polar, with glycine, which is neutral and non-polar, at codon 2337 of the APC protein (p.Ser2337Gly). This variant is not present in population databases (gnomAD no frequency). This variant has not been reported in the literature in individuals affected with APC-related conditions. Advanced modeling of protein sequence and biophysical properties (such as structural, functional, and spatial information, amino acid conservation, physicochemical variation, residue mobility, and thermodynamic stability) performed at Invitae indicates that this missense variant is not expected to disrupt APC protein function with a negative predictive value of 95%. In summary, the available evidence is currently insufficient to determine the role of this variant in disease. Therefore, it has been classified as a Variant of Uncertain Significance.